The following is an entry in ClinVar:

NM_005359.6(SMAD4):c.955+4A>G

Gene: SMAD4 (SMAD family member 4; plus strand). Cytogenetic location: 18q21.2.
Variant type: single nucleotide variant.
Coding change: c.955+4A>G on transcript NM_005359.6 (MANE Select); 4 bases into the intron after coding-DNA position 955, A replaced by G.
Molecular consequence: intron variant.
Genome position (GRCh38, 1-based): chr18:51,059,920, A>G. VCF-style: chr18-51059920-A-G. GRCh37 (hg19) VCF-style: chr18-48586290-A-G.
Identifiers: ClinVar variation 837318 (VCV000837318.9), dbSNP rs760962650, ClinGen allele CA8965959.

ClinVar aggregate classification (germline): Uncertain significance. Review status: criteria provided, multiple submitters, no conflicts (2 of 4 stars). 2 submissions from 2 submitters: Uncertain significance (2). Last evaluated 2022-11-14.

Conditions:
Familial thoracic aortic aneurysm and aortic dissection (TAAD). Also called: Thoracic aortic aneurysms and dissections. Identifiers: Orphanet 91387, MedGen C4707243, MONDO:0019625.
Hereditary cancer-predisposing syndrome. Also called: Neoplastic Syndromes, Hereditary; Hereditary neoplastic syndrome; Tumor predisposition; Hereditary Cancer Syndrome. Identifiers: Orphanet 140162, MedGen C0027672, MeSH D009386, MONDO:0015356.
Juvenile polyposis syndrome (JPS). Identifiers: Orphanet 2929, MedGen C0345893, MONDO:0017380, OMIM 174900.

Allele frequency attached by ClinVar (database versions not stated): gnomAD exomes below 0.00001; ExAC 0.00002.
gnomAD v4.1: 1 of 1,604,144 alleles (0.000062%); highest among the groups gnomAD compares: South Asian, 0.0011%; no homozygotes.

Submissions (2):

Ambry Genetics
Classification: Uncertain significance for Hereditary cancer-predisposing syndrome; Familial thoracic aortic aneurysm and aortic dissection. Last evaluated: 2022-11-14. Review status: criteria provided, single submitter. Criteria: Ambry Variant Classification Scheme 2023. Collection method: clinical testing. Allele origin: germline.
Comment: The c.955+4A>G intronic variant results from an A to G substitution 4 nucleotides after coding exon 7 in the SMAD4 gene. This nucleotide position is highly conserved in available vertebrate species. In silico splice site analysis predicts that this alteration will not have any significant effect on splicing. Since supporting evidence is limited at this time, the clinical significance of this alteration remains unclear.

Labcorp Genetics (formerly Invitae), Labcorp
Classification: Uncertain significance for Juvenile polyposis syndrome. Last evaluated: 2019-03-19. Review status: criteria provided, single submitter. Criteria: Invitae Variant Classification Sherloc (09022015). Collection method: clinical testing. Allele origin: germline.
Comment: In summary, the available evidence is currently insufficient to determine the role of this variant in disease. Therefore, it has been classified as a Variant of Uncertain Significance. Nucleotide substitutions within the consensus splice site are a relatively common cause of aberrant splicing (PMID: 17576681, 9536098). Algorithms developed to predict the effect of sequence changes on RNA splicing suggest that this variant may disrupt the consensus splice site, but this prediction has not been confirmed by published transcriptional studies. This variant has not been reported in the literature in individuals with SMAD4-related conditions. This variant is present in population databases (rs760962650, ExAC 0.01%). This sequence change falls in intron 8 of the SMAD4 gene. It does not directly change the encoded amino acid sequence of the SMAD4 protein, but it affects a nucleotide within the consensus splice site of the intron.

Literature cited by the submitters: PubMed 17576681 (cited by Labcorp Genetics (formerly Invitae), Labcorp); PubMed 9536098 (cited by Labcorp Genetics (formerly Invitae), Labcorp).